The following is an entry in ClinVar:

NM_006206.6(PDGFRA):c.1882A>T (p.Met628Leu)

Gene: PDGFRA (platelet derived growth factor receptor alpha; plus strand). Cytogenetic location: 4q12.
Variant type: single nucleotide variant.
Coding change: c.1882A>T on transcript NM_006206.6 (MANE Select); coding-DNA position 1882, A replaced by T.
Protein change: p.Met628Leu; replaces methionine 628 with leucine.
Molecular consequence: missense variant.
Genome position (GRCh38, 1-based): chr4:54,277,483, A>T. VCF-style: chr4-54277483-A-T. GRCh37 (hg19) VCF-style: chr4-55143650-A-T.
Other names: c.1882A>T, p.Met628Leu (NM_001347827.2, NM_001347829.2); c.1957A>T, p.Met653Leu (NM_001347828.2); c.1921A>T, p.Met641Leu (NM_001347830.2); short protein forms M628L, M641L, M653L.
Identifiers: ClinVar variation 2700044 (VCV002700044.3), dbSNP rs2475508216, ClinGen allele CA356893526.

ClinVar aggregate classification (germline): Uncertain significance (1 of 4 stars; one submission).

Conditions:
Gastrointestinal stromal tumor. Also called: Gastrointestinal stromal tumor, somatic; Gastrointestinal stroma tumor. Identifiers: Orphanet 44890, MedGen C0238198, MeSH D046152, MONDO:0011719, OMIM 606764, HP:0100723.

Submission:

Labcorp Genetics (formerly Invitae), Labcorp
Classification: Uncertain significance for Gastrointestinal stromal tumor. Last evaluated: 2023-12-01. Review status: criteria provided, single submitter. Criteria: Invitae Variant Classification Sherloc (09022015). Collection method: clinical testing. Allele origin: germline.
Comment: This sequence change replaces methionine, which is neutral and non-polar, with leucine, which is neutral and non-polar, at codon 628 of the PDGFRA protein (p.Met628Leu). This variant is not present in population databases (gnomAD no frequency). This variant has not been reported in the literature in individuals affected with PDGFRA-related conditions. Advanced modeling of protein sequence and biophysical properties (such as structural, functional, and spatial information, amino acid conservation, physicochemical variation, residue mobility, and thermodynamic stability) has been performed at Invitae for this missense variant, however the output from this modeling did not meet the statistical confidence thresholds required to predict the impact of this variant on PDGFRA protein function. In summary, the available evidence is currently insufficient to determine the role of this variant in disease. Therefore, it has been classified as a Variant of Uncertain Significance.